The following is an entry in ClinVar:

NM_213655.5(WNK1):c.2807A>G (p.Tyr936Cys)

Gene: WNK1 (WNK lysine deficient protein kinase 1; plus strand). Cytogenetic location: 12p13.33.
Variant type: single nucleotide variant.
Coding change: c.2807A>G on transcript NM_213655.5 (MANE Plus Clinical); coding-DNA position 2807, A replaced by G.
Protein change: p.Tyr936Cys; replaces tyrosine 936 with cysteine.
Molecular consequence: missense variant. On other transcripts: intron variant (2).
Genome position (GRCh38, 1-based): chr12:868,278, A>G. VCF-style: chr12-868278-A-G. GRCh37 (hg19) VCF-style: chr12-977444-A-G.
Other names: c.2552A>G, p.Tyr851Cys (NM_001184985.2); c.2140-2987A>G (NM_018979.4, NM_014823.3); short protein forms Y936C, Y851C.
Identifiers: ClinVar variation 4788355 (VCV004788355.1).

ClinVar aggregate classification (germline): Uncertain significance (1 of 4 stars; one submission).

Conditions:
Neuropathy, hereditary sensory and autonomic, type 2A (HSAN2A). Also called: WNK1-Related HSAN2 (HSAN2A); ACROOSTEOLYSIS, GIACCAI TYPE; ACROOSTEOLYSIS, NEUROGENIC; MORVAN DISEASE; NEUROPATHY, CONGENITAL SENSORY; NEUROPATHY, HEREDITARY SENSORY RADICULAR, AUTOSOMAL RECESSIVE. Identifiers: Orphanet 970, MedGen C2752089, MONDO:0024309, OMIM 201300.
Pseudohypoaldosteronism type 2C (PHA2C). Also called: Pseudohypoaldosteronism Type IIC. Identifiers: Orphanet 757, Orphanet 88940, MedGen C1840391, MONDO:0013778, OMIM 614492.

gnomAD v4.1: 11 of 1,604,064 alleles (0.00069%); highest among the groups gnomAD compares: Non-Finnish European, 0.00094%; no homozygotes.

Submission:

Labcorp Genetics (formerly Invitae), Labcorp
Classification: Uncertain significance for Neuropathy, hereditary sensory and autonomic, type 2A; Pseudohypoaldosteronism type 2C. Last evaluated: 2025-04-20. Review status: criteria provided, single submitter. Criteria: Invitae Variant Classification Sherloc (09022015). Collection method: clinical testing. Allele origin: germline.
Comment: This sequence change replaces tyrosine, which is neutral and polar, with cysteine, which is neutral and slightly polar, at codon 936 of the WNK1 protein (p.Tyr936Cys). This variant is present in population databases (no rsID available, gnomAD 0.001%). This variant has not been reported in the literature in individuals affected with WNK1-related conditions. Invitae Evidence Modeling of protein sequence and biophysical properties (such as structural, functional, and spatial information, amino acid conservation, physicochemical variation, residue mobility, and thermodynamic stability) indicates that this missense variant is not expected to disrupt WNK1 protein function with a negative predictive value of 95%. In summary, the available evidence is currently insufficient to determine the role of this variant in disease. Therefore, it has been classified as a Variant of Uncertain Significance.